The following is an entry in ClinVar:

NC_000020.11:g.(?_34457370)_(34457494_?)del

Gene: ITCH (itchy E3 ubiquitin protein ligase; plus strand). Cytogenetic location: 20q11.22.
Variant type: Deletion.
Identifiers: ClinVar variation 832691 (VCV000832691.1).

ClinVar aggregate classification (germline): Pathogenic (1 of 4 stars; one submission).

Conditions:
Syndromic multisystem autoimmune disease due to ITCH deficiency. Also called: AUTOIMMUNE DISEASE, MULTISYSTEM, WITH FACIAL DYSMORPHISM. Identifiers: Orphanet 228426, MedGen C3150649, MONDO:0013245, OMIM 613385.

Submission:

Labcorp Genetics (formerly Invitae), Labcorp
Classification: Pathogenic for Autoimmune disease, syndromic multisystem. Last evaluated: 2019-12-30. Review status: criteria provided, single submitter. Criteria: Invitae Variant Classification Sherloc (09022015). Collection method: clinical testing. Allele origin: germline.
Comment: This variant is an out-of-frame deletion of the genomic region encompassing exon(s) 13 of the ITCH gene. This is expected to create a premature translational stop signal and result in an absent or disrupted protein product. This variant has not been reported in the literature in individuals with ITCH-related conditions. Loss-of-function variants in ITCH are known to be pathogenic (PMID: 20170897). For these reasons, this variant has been classified as Pathogenic.